The following is an entry in ClinVar:

ClinVar aggregate classification (germline): Likely benign (1 of 4 stars; one submission).

Allele frequency attached by ClinVar (database versions not stated): ExAC 0.00005; 1000 Genomes Project 30x 0.00016; gnomAD exomes 0.00002; TOPMed 0.00002; gnomAD 0.00003.
gnomAD v4.1: 37 of 1,590,790 alleles (0.0023%); highest among the groups gnomAD compares: Middle Eastern, 0.017%; no homozygotes.

Submission:

CeGaT Center for Human Genetics Tuebingen
Classification: Likely benign. Last evaluated: 2023-03-01. Review status: criteria provided, single submitter. Criteria: CeGaT Center For Human Genetics Tuebingen Variant Classification Criteria Version 2. Collection method: clinical testing. Allele origin: germline. Affected: yes. Observed: 1 variant allele.
Comment: CERS4: BP4, BP7

NM_024552.3(CERS4):c.1086A>G (p.Leu362=)

Gene: CERS4 (ceramide synthase 4; plus strand). Cytogenetic location: 19p13.2.
Variant type: single nucleotide variant.
Coding change: c.1086A>G on transcript NM_024552.3 (MANE Select); coding-DNA position 1086, A replaced by G.
Protein change: p.Leu362=; no amino-acid change (leucine 362 retained).
Molecular consequence: synonymous variant.
Genome position (GRCh38, 1-based): chr19:8,262,010, A>G. VCF-style: chr19-8262010-A-G. GRCh37 (hg19) VCF-style: chr19-8326894-A-G.
Identifiers: ClinVar variation 2649194 (VCV002649194.24), dbSNP rs199893919, ClinGen allele CA9154480.